The following is an entry in ClinVar:

ClinVar aggregate classification (germline): Uncertain significance. Review status: criteria provided, multiple submitters, no conflicts (2 of 4 stars). 2 submissions from 2 submitters: Uncertain significance (2). Last evaluated 2023-07-07.

Conditions:
Myofibrillar myopathy 6. Identifiers: Orphanet 199340, MedGen C2751831, MONDO:0013061, OMIM 612954.
Dilated cardiomyopathy 1HH (CMD1HH). Identifiers: Orphanet 154, MedGen C3151293, MONDO:0013479, OMIM 613881.

Submissions (2):

Labcorp Genetics (formerly Invitae), Labcorp
Classification: Uncertain significance for Dilated cardiomyopathy 1HH; Myofibrillar myopathy 6. Last evaluated: 2023-07-07. Review status: criteria provided, single submitter. Criteria: Invitae Variant Classification Sherloc (09022015). Collection method: clinical testing. Allele origin: germline.
Comment: This variant, c.115_117del, results in the deletion of 1 amino acid(s) of the BAG3 protein (p.Phe39del), but otherwise preserves the integrity of the reading frame. In summary, the available evidence is currently insufficient to determine the role of this variant in disease. Therefore, it has been classified as a Variant of Uncertain Significance. Experimental studies and prediction algorithms are not available or were not evaluated, and the functional significance of this variant is currently unknown. ClinVar contains an entry for this variant (Variation ID: 424122). This variant has been observed in individual(s) with clinical features of BAG3-related conditions (Invitae). This variant is not present in population databases (gnomAD no frequency).

GeneDx
Classification: Uncertain significance. Last evaluated: 2017-03-13. Review status: criteria provided, single submitter. Criteria: GeneDx Variant Classification (06012015). Collection method: clinical testing. Allele origin: germline. Affected: yes.
Comment: A variant of uncertain significance has been identified in the BAG3 gene. The c.115_117delTTC variant has not been published as pathogenic or been reported as benign to our knowledge. This variant is not observed in large population cohorts (Lek et al., 2016; 1000 Genomes Consortium et al., 2015; Exome Variant Server). This in-frame deletion results in a deletion of one phenylalanine residue at position 39 of the BAG3 gene that is conserved across species. However, as this is an in-frame deletion, it is not expected to result in either an abnormal, truncated protein product or loss of protein from this allele through nonsense-mediated mRNA decay.

NM_004281.4(BAG3):c.112TTC[1] (p.Phe39del)

Gene: BAG3 (BAG cochaperone 3; plus strand). Cytogenetic location: 10q26.11.
Variant type: Microsatellite.
Coding change: c.112TTC[1] on transcript NM_004281.4 (MANE Select); one copy of the 3-base unit TTC starting at c.112; the reference has two copies in a row; one copy, 3 bases deleted.
Protein change: p.Phe39del; deletes phenylalanine 39.
Molecular consequence: inframe deletion.
Genome position (GRCh38, 1-based): chr10:119,651,790-119,651,792, TTC deleted; deleting any 3 consecutive bases within chr10:119,651,786-119,651,792 gives the same sequence; the position shown is the placement nearest the transcript's 3' end. VCF-style (leftmost placement, unchanged base first): chr10-119651785-CCTT-C. GRCh37 (hg19) VCF-style: chr10-121411297-CCTT-C.
Other names: c.115_117delTTC (NM_004281.3); short protein forms F39del.
Identifiers: ClinVar variation 424122 (VCV000424122.11), dbSNP rs1064796808, ClinGen allele CA16618931.